The following is an entry in ClinVar:

NM_004260.4(RECQL4):c.980A>C (p.Gln327Pro)

Gene: RECQL4 (RecQ like helicase 4; minus strand). Cytogenetic location: 8q24.3.
Variant type: single nucleotide variant.
Coding change: c.980A>C on transcript NM_004260.4 (MANE Select); coding-DNA position 980, A replaced by C.
Protein change: p.Gln327Pro; replaces glutamine 327 with proline.
Molecular consequence: missense variant.
Genome position (GRCh38, 1-based): chr8:144,516,139, T>G on the plus strand (A>C on the coding strand, the complement: RECQL4 is on the minus strand). VCF-style: chr8-144516139-T-G. GRCh37 (hg19) VCF-style: chr8-145741523-T-G.
Other names: short protein forms Q327P.
Identifiers: ClinVar variation 1411194 (VCV001411194.6), dbSNP rs1183506714, ClinGen allele CA372688450.
Genomic context (GRCh38, chr8:144,516,139, plus strand): 5'-CGGGCCAGCCGAGGGAAGATGTGCAGGGGGGCTGTGCCCTCAGCCTTCCCAGCCCTAGCT[T>G]GACTGGAGGGGCTGAGTCCGTGGTACCTGGGGTTCGATGGGCTGCTGCAGGGCTGAGGTG-3'
Protein context (NP_004251.4, residues 317-337): PRYHGLSPSS[Gln327Pro]ARAGKAEGTA

ClinVar aggregate classification (germline): Uncertain significance (1 of 4 stars; one submission).

Conditions:
Baller-Gerold syndrome (BGS). Also called: CRANIOSYNOSTOSIS WITH RADIAL DEFECTS. Identifiers: Orphanet 1225, MedGen C0265308, MONDO:0009039, OMIM 218600.

Allele frequency attached by ClinVar (database versions not stated): TOPMed 0.00001.

Submission:

Labcorp Genetics (formerly Invitae), Labcorp
Classification: Uncertain significance for Baller-Gerold syndrome. Last evaluated: 2025-04-20. Review status: criteria provided, single submitter. Criteria: Invitae Variant Classification Sherloc (09022015). Collection method: clinical testing. Allele origin: germline.
Comment: This sequence change replaces glutamine, which is neutral and polar, with proline, which is neutral and non-polar, at codon 327 of the RECQL4 protein (p.Gln327Pro). This variant is not present in population databases (gnomAD no frequency). This variant has not been reported in the literature in individuals affected with RECQL4-related conditions. ClinVar contains an entry for this variant (Variation ID: 1411194). Invitae Evidence Modeling of protein sequence and biophysical properties (such as structural, functional, and spatial information, amino acid conservation, physicochemical variation, residue mobility, and thermodynamic stability) indicates that this missense variant is not expected to disrupt RECQL4 protein function with a negative predictive value of 80%. In summary, the available evidence is currently insufficient to determine the role of this variant in disease. Therefore, it has been classified as a Variant of Uncertain Significance.